The following is an entry in ClinVar:

ClinVar aggregate classification (germline): Uncertain significance (1 of 4 stars; one submission).

Conditions:
Epidermolysis bullosa simplex with nail dystrophy (EBS5D). Identifiers: MedGen C4225309, MONDO:0014661, OMIM 616487.
Epidermolysis bullosa simplex, Ogna type (EBS5A). Also called: EPIDERMOLYSIS BULLOSA SIMPLEX 5A, OGNA TYPE; Pidermolysis bullosa simplex 5A, Ogna type. Identifiers: Orphanet 79401, MedGen C0432317, MONDO:0007555, OMIM 131950.
Epidermolysis bullosa simplex 5C, with pyloric atresia (EBS5C). Also called: PLEC1-Related Epidermolysis Bullosa with Pyloric Atresia; PLEC-Related Epidermolysis Bullosa with Pyloric Atresia; Epidermolysis bullosa simplex with pyloric atresia. Identifiers: Orphanet 158684, MedGen C2677349, MONDO:0012807, OMIM 612138.
Autosomal recessive limb-girdle muscular dystrophy type 2Q (LGMDR17). Also called: MUSCULAR DYSTROPHY, LIMB-GIRDLE, AUTOSOMAL RECESSIVE 17. Identifiers: Orphanet 254361, MedGen C3150989, MONDO:0013390, OMIM 613723.
Epidermolysis bullosa simplex 5B, with muscular dystrophy (EBS5B). Also called: EPIDERMOLYSIS BULLOSA SIMPLEX AND LIMB-GIRDLE MUSCULAR DYSTROPHY; Epidermolysis bullosa simplex with muscular dystrophy. Identifiers: Orphanet 257, MedGen C2931072, MONDO:0009181, OMIM 226670.

Allele frequency attached by ClinVar (database versions not stated): ExAC 0.00001; gnomAD exomes 0.00002.
gnomAD v4.1: 22 of 1,598,754 alleles (0.0014%); highest among the groups gnomAD compares: Non-Finnish European, 0.0018%; no homozygotes.

Submission:

Labcorp Genetics (formerly Invitae), Labcorp
Classification: Uncertain significance for Autosomal recessive limb-girdle muscular dystrophy type 2Q; Epidermolysis bullosa simplex, Ogna type; Epidermolysis bullosa simplex with nail dystrophy; Epidermolysis bullosa simplex 5C, with pyloric atresia; Epidermolysis bullosa simplex 5B, with muscular dystrophy. Last evaluated: 2023-07-31. Review status: criteria provided, single submitter. Criteria: Invitae Variant Classification Sherloc (09022015). Collection method: clinical testing. Allele origin: germline.
Comment: In summary, the available evidence is currently insufficient to determine the role of this variant in disease. Therefore, it has been classified as a Variant of Uncertain Significance. Advanced modeling of protein sequence and biophysical properties (such as structural, functional, and spatial information, amino acid conservation, physicochemical variation, residue mobility, and thermodynamic stability) performed at Invitae indicates that this missense variant is not expected to disrupt PLEC protein function. This variant has not been reported in the literature in individuals affected with PLEC-related conditions. This variant is present in population databases (rs782336317, gnomAD 0.002%). This sequence change replaces threonine, which is neutral and polar, with alanine, which is neutral and non-polar, at codon 2643 of the PLEC protein (p.Thr2643Ala).

NM_201384.3(PLEC):c.7846A>G (p.Thr2616Ala)

Gene: PLEC (plectin; minus strand). Cytogenetic location: 8q24.3.
Variant type: single nucleotide variant.
Coding change: c.7846A>G on transcript NM_201384.3 (MANE Select); coding-DNA position 7846, A replaced by G.
Protein change: p.Thr2616Ala; replaces threonine 2616 with alanine.
Molecular consequence: missense variant.
Genome position (GRCh38, 1-based): chr8:143,921,975, T>C on the plus strand (A>G on the coding strand, the complement: PLEC is on the minus strand). VCF-style: chr8-143921975-T-C. GRCh37 (hg19) VCF-style: chr8-144996143-T-C.
Other names: c.7927A>G, p.Thr2643Ala (NM_000445.5); c.4546A>G, p.Thr1516Ala (NM_001410941.1); c.7804A>G, p.Thr2602Ala (NM_201378.4); c.7780A>G, p.Thr2594Ala (NM_201379.3); c.8257A>G, p.Thr2753Ala (NM_201380.4); c.7750A>G, p.Thr2584Ala (NM_201381.3); c.7846A>G, p.Thr2616Ala (NM_201382.4); c.7858A>G, p.Thr2620Ala (NM_201383.3); short protein forms T2620A, T1516A, T2594A, T2616A, T2643A, T2753A, T2584A, T2602A.
Identifiers: ClinVar variation 2925483 (VCV002925483.3), dbSNP rs782336317, ClinGen allele CA4925499.